The following is an entry in ClinVar:

NM_032444.4(SLX4):c.4229A>G (p.Asn1410Ser)

Gene: SLX4 (SLX4 structure-specific endonuclease subunit; minus strand). Cytogenetic location: 16p13.3.
Variant type: single nucleotide variant.
Coding change: c.4229A>G on transcript NM_032444.4 (MANE Select); coding-DNA position 4229, A replaced by G.
Protein change: p.Asn1410Ser; replaces asparagine 1410 with serine.
Molecular consequence: missense variant.
Genome position (GRCh38, 1-based): chr16:3,589,409, T>C on the plus strand (A>G on the coding strand, the complement: SLX4 is on the minus strand). VCF-style: chr16-3589409-T-C. GRCh37 (hg19) VCF-style: chr16-3639410-T-C.
Other names: c.4229A>G (LRG_503t1); short protein forms N1410S.
Identifiers: ClinVar variation 654938 (VCV000654938.8), dbSNP rs1596520203, ClinGen allele CA394518029.
Genomic context (GRCh38, chr16:3,589,409, plus strand): 5'-ATGTGCCAGCAGCAGTCGTCAATTGGAATTGGGGGGTCACTGTCCAGTGGGGGGCTTCTG[T>C]TGGCCTGATGGGAGGCCACCTCCTGCTCATCGTCACTGTCTCCGACTTCCACCACTTCAC-3'
Protein context (NP_115820.2, residues 1400-1420): DEQEVASHQA[Asn1410Ser]RSPPLDSDPP

ClinVar aggregate classification (germline): Uncertain significance (1 of 4 stars; one submission).

Conditions:
Fanconi anemia (FA). Also called: Fanconi's anemia. Identifiers: Orphanet 84, MedGen C0015625, MeSH D005199, MONDO:0019391.

Submission:

Labcorp Genetics (formerly Invitae), Labcorp
Classification: Uncertain significance for Fanconi anemia. Last evaluated: 2022-03-04. Review status: criteria provided, single submitter. Criteria: Invitae Variant Classification Sherloc (09022015). Collection method: clinical testing. Allele origin: germline.
Comment: This sequence change replaces asparagine, which is neutral and polar, with serine, which is neutral and polar, at codon 1410 of the SLX4 protein (p.Asn1410Ser). This variant is not present in population databases (gnomAD no frequency). This variant has not been reported in the literature in individuals affected with SLX4-related conditions. ClinVar contains an entry for this variant (Variation ID: 654938). Algorithms developed to predict the effect of missense changes on protein structure and function output the following: SIFT: "Tolerated"; PolyPhen-2: "Benign"; Align-GVGD: "Class C0". The serine amino acid residue is found in multiple mammalian species, which suggests that this missense change does not adversely affect protein function. In summary, the available evidence is currently insufficient to determine the role of this variant in disease. Therefore, it has been classified as a Variant of Uncertain Significance.